The following is an entry in ClinVar:

NM_133510.4(RAD51B):c.23G>T (p.Arg8Leu)

Gene: RAD51B (RAD51 paralog B; plus strand). Cytogenetic location: 14q24.1.
Variant type: single nucleotide variant.
Coding change: c.23G>T on transcript NM_133510.4 (MANE Select); coding-DNA position 23, G replaced by T.
Protein change: p.Arg8Leu; replaces arginine 8 with leucine.
Molecular consequence: missense variant. On other transcripts: 5 prime UTR variant (1).
Genome position (GRCh38, 1-based): chr14:67,823,566, G>T. VCF-style: chr14-67823566-G-T. GRCh37 (hg19) VCF-style: chr14-68290283-G-T.
Other names: c.23G>T, p.Arg8Leu (NM_001321809.2, NM_001321810.2, NM_001321812.1 and 6 more transcripts); c.-433G>T (NM_001321817.2); short protein forms R8L.
Identifiers: ClinVar variation 3429647 (VCV003429647.1).
Genomic context (GRCh38, chr14:67,823,566, plus strand): 5'-TTTTCATGGTTCTTCTTTTCTTTGCTGGATCTGGAGGCATGGGTAGCAAGAAACTAAAAC[G>T]AGTGGGTTTATCACAAGAGCTGTGTGACCGTCTGAGTAGACATCAGATCCTTACCTGTCA-3'
Protein context (NP_598194.1, residues 1-18): MGSKKLK[Arg8Leu]VGLSQELCDR

ClinVar aggregate classification (germline): Uncertain significance (1 of 4 stars; one submission).

gnomAD v4.1: 1 of 1,613,646 alleles (0.000062%); no homozygotes.

Submission:

Ambry Genetics
Classification: Uncertain significance. Last evaluated: 2024-11-25. Review status: criteria provided, single submitter. Criteria: Ambry Variant Classification Scheme 2023. Collection method: clinical testing. Allele origin: germline.
Comment: The p.R8L variant (also known as c.23G>T), located in coding exon 1 of the RAD51B gene, results from a G to T substitution at nucleotide position 23. The arginine at codon 8 is replaced by leucine, an amino acid with dissimilar properties. This amino acid position is conserved. In addition, the in silico prediction for this alteration is inconclusive. Based on the available evidence, the clinical significance of this variant remains unclear.